The following is an entry in ClinVar:

ClinVar aggregate classification (germline): Likely benign (1 of 4 stars; one submission).

Conditions:
PLXNA1-related disorder. Also called: PLXNA1-related condition.

Submission:

PreventionGenetics, part of Exact Sciences
Classification: Likely benign for PLXNA1-related condition. Last evaluated: 2025-04-24. Review status: criteria provided, single submitter. Criteria: ACMG Guidelines, 2015. Collection method: clinical testing. Allele origin: germline.
Comment: This variant is classified as likely benign based on ACMG/AMP sequence variant interpretation guidelines (Richards et al. 2015 PMID: 25741868, with internal and published modifications).

NM_032242.4(PLXNA1):c.5121G>A (p.Arg1707=)

Gene: PLXNA1 (plexin A1; plus strand). Cytogenetic location: 3q21.3.
Variant type: single nucleotide variant.
Coding change: c.5121G>A on transcript NM_032242.4 (MANE Select); coding-DNA position 5121, G replaced by A.
Protein change: p.Arg1707=; no amino-acid change (arginine 1707 retained).
Molecular consequence: synonymous variant.
Genome position (GRCh38, 1-based): chr3:127,030,302, G>A. VCF-style: chr3-127030302-G-A. GRCh37 (hg19) VCF-style: chr3-126749145-G-A.
Identifiers: ClinVar variation 4997408 (VCV004997408.1).